The following is an entry in ClinVar:

NM_000091.5(COL4A3):c.2156C>G (p.Ser719Ter)

Genes: COL4A3 (collagen type IV alpha 3 chain; plus strand), MFF-DT (MFF divergent transcript; minus strand). Cytogenetic location: 2q36.3.
Variant type: single nucleotide variant.
Coding change: c.2156C>G on transcript NM_000091.5 (MANE Select); coding-DNA position 2156, C replaced by G.
Protein change: p.Ser719Ter; replaces serine 719 with a stop codon.
Molecular consequence: nonsense.
Genome position (GRCh38, 1-based): chr2:227,279,823, C>G. VCF-style: chr2-227279823-C-G. GRCh37 (hg19) VCF-style: chr2-228144539-C-G.
Other names: short protein forms S719*.
Identifiers: ClinVar variation 969676 (VCV000969676.9), dbSNP rs1164505506, ClinGen allele CA350847574.

ClinVar aggregate classification (germline): Pathogenic/Likely pathogenic. Review status: criteria provided, multiple submitters, no conflicts (2 of 4 stars). 3 submissions from 3 submitters: Pathogenic (1); Likely pathogenic (2). Last evaluated 2025-12-15.

Conditions:
Alport syndrome. Also called: Hemorrhagic familial nephritis; Hemorrhagic hereditary nephritis; Congenital hereditary hematuria. Identifiers: Orphanet 63, MedGen C1567741, MONDO:0018965.
COL4A3-related disorder. Also called: COL4A3-related condition; COL4A3-Related Disorders.

gnomAD v4.1: 1 of 1,610,246 alleles (0.000062%); highest among the groups gnomAD compares: Non-Finnish European, 0.000085%; no homozygotes.

Submissions (3):

Labcorp Genetics (formerly Invitae), Labcorp
Classification: Pathogenic. Last evaluated: 2025-12-15. Review status: criteria provided, single submitter. Criteria: Invitae Variant Classification Sherloc (09022015). Collection method: clinical testing. Allele origin: germline.
Comment: This sequence change creates a premature translational stop signal (p.Ser719*) in the COL4A3 gene. It is expected to result in an absent or disrupted protein product. Loss-of-function variants in COL4A3 are known to be pathogenic (PMID: 8956999, 24854265, 26809805, 27281700). This variant is not present in population databases (gnomAD no frequency). This variant has not been reported in the literature in individuals affected with COL4A3-related conditions. ClinVar contains an entry for this variant (Variation ID: 969676). For these reasons, this variant has been classified as Pathogenic.

Natera, Inc.
Classification: Likely pathogenic for Alport syndrome. Last evaluated: 2024-12-30. Review status: criteria provided, single submitter. Criteria: Natera Variant Classification Schema (03/2026). Collection method: clinical testing. Allele origin: germline.
Comment: The c.2156C>G variant in COL4A3 is a nonsense variant predicted to introduce a stop codon at amino acid 719. This variant is expected to result in nonsense mediated decay, truncation, or a dysfunctional protein product. This variant is rare in the general population with a frequency below the threshold expected for the associated phenotype(s). Given the available evidence, this variant is classified as Likely Pathogenic.

PreventionGenetics, part of Exact Sciences
Classification: Likely pathogenic for COL4A3-related condition. Last evaluated: 2022-09-12. Review status: criteria provided, single submitter. Criteria: ACMG Guidelines, 2015. Collection method: clinical testing. Allele origin: germline.
Comment: The COL4A3 c.2156C>G variant is predicted to result in premature protein termination (p.Ser719*). To our knowledge, this variant has not been reported in association with COL4A3-related disease. This variant has not been reported in a large population database, indicating this variant is rare. Nonsense variants in COL4A3 are expected to be pathogenic for autosomal recessive Alport syndrome. This variant is interpreted as likely pathogenic.

Literature cited by the submitters: PubMed 8956999 (cited by Labcorp Genetics (formerly Invitae), Labcorp); PubMed 24854265 (cited by Labcorp Genetics (formerly Invitae), Labcorp); PubMed 26809805 (cited by Labcorp Genetics (formerly Invitae), Labcorp); PubMed 27281700 (cited by Labcorp Genetics (formerly Invitae), Labcorp).